The following is an entry in ClinVar:

NM_002472.3(MYH8):c.4872T>C (p.Asp1624=)

Genes: MYH8 (myosin heavy chain 8; minus strand), MYHAS (myosin heavy chain gene cluster antisense RNA; plus strand). Cytogenetic location: 17p13.1.
Variant type: single nucleotide variant.
Coding change: c.4872T>C on transcript NM_002472.3 (MANE Select); coding-DNA position 4872, T replaced by C.
Protein change: p.Asp1624=; no amino-acid change (aspartic acid 1624 retained).
Molecular consequence: synonymous variant.
Genome position (GRCh38, 1-based): chr17:10,395,223, A>G on the plus strand (T>C on the coding strand, the complement: MYH8 is on the minus strand). VCF-style: chr17-10395223-A-G. GRCh37 (hg19) VCF-style: chr17-10298540-A-G.
Identifiers: ClinVar variation 5039819 (VCV005039819.1).

ClinVar aggregate classification (germline): Likely benign (1 of 4 stars; one submission).

Submission:

CeGaT Center for Human Genetics Tuebingen
Classification: Likely benign. Last evaluated: 2026-07-01. Review status: criteria provided, single submitter. Criteria: CeGaT Center For Human Genetics Tuebingen Variant Classification Criteria Version 2. Collection method: clinical testing. Allele origin: germline. Affected: yes. Observed: 1 variant allele.
Comment: MYH8: PM2:Supporting, BP4, BP7